The following is an entry in ClinVar:

ClinVar aggregate classification (germline): Likely pathogenic (1 of 4 stars; one submission).

Conditions:
Dilated cardiomyopathy 1G (CMD1G). Identifiers: Orphanet 154, MedGen C1858763, MONDO:0011400, OMIM 604145.
Autosomal recessive limb-girdle muscular dystrophy type 2J (LGMDR10). Also called: Limb-girdle muscular dystrophy, type 2J; MUSCULAR DYSTROPHY, LIMB-GIRDLE, AUTOSOMAL RECESSIVE 10. Identifiers: Orphanet 140922, MedGen C1837342, MONDO:0012127, OMIM 608807.

Submission:

Labcorp Genetics (formerly Invitae), Labcorp
Classification: Likely pathogenic for Dilated cardiomyopathy 1G; Autosomal recessive limb-girdle muscular dystrophy type 2J. Last evaluated: 2025-07-08. Review status: criteria provided, single submitter. Criteria: Invitae Variant Classification Sherloc (09022015). Collection method: clinical testing. Allele origin: germline.
Comment: This sequence change creates a premature translational stop signal (p.Lys2227*) in the TTN gene. While this is not anticipated to result in nonsense mediated decay, it is expected to create a truncated TTN protein. This variant is not present in population databases (gnomAD no frequency). This variant has not been observed in the literature in individuals with autosomal recessive TTN-related conditions. This variant has been reported in individual(s) with autosomal dominant dilated cardiomyopathy (PMID: 33106378); however, the role of the variant in this condition is currently unclear. This variant is located in the I band of TTN (PMID: 25589632). Truncating variants in this region have been reported in individuals affected with autosomal recessive centronuclear myopathy (PMID: 23975875, internal data). Truncating variants in this region have also been identified in individuals affected with autosomal dominant dilated cardiomyopathy and/or cardio-related conditions (PMID: 27869827, 32964742, internal data). In summary, the currently available evidence indicates that the variant is pathogenic, but additional data are needed to prove that conclusively. Therefore, this variant has been classified as Likely Pathogenic.

Literature cited by the submitters: PubMed 33106378; PubMed 25589632; PubMed 23975875; PubMed 27869827; PubMed 32964742.

NM_001267550.2(TTN):c.6679A>T (p.Lys2227Ter)

Gene: TTN (titin; minus strand). Cytogenetic location: 2q31.2.
Variant type: single nucleotide variant.
Coding change: c.6679A>T on transcript NM_001267550.2 (MANE Select); coding-DNA position 6679, A replaced by T.
Protein change: p.Lys2227Ter; replaces lysine 2227 with a stop codon.
Molecular consequence: nonsense.
Genome position (GRCh38, 1-based): chr2:178,775,032, T>A on the plus strand (A>T on the coding strand, the complement: TTN is on the minus strand). VCF-style: chr2-178775032-T-A. GRCh37 (hg19) VCF-style: chr2-179639759-T-A.
Other names: c.6679A>T, p.Lys2227Ter (NM_001256850.1, NM_133378.4, NM_133379.5); c.6541A>T, p.Lys2181Ter (NM_003319.4, NM_133432.3, NM_133437.4); short protein forms K2181*, K2227*.
Identifiers: ClinVar variation 4783861 (VCV004783861.1).